The following is an entry in ClinVar:

NM_003718.5(CDK13):c.2543+1G>A

Gene: CDK13 (cyclin dependent kinase 13; plus strand). Cytogenetic location: 7p14.1.
Variant type: single nucleotide variant.
Coding change: c.2543+1G>A on transcript NM_003718.5 (MANE Select); the canonical splice donor site of the intron after coding-DNA position 2543, G replaced by A.
Molecular consequence: splice donor variant.
Genome position (GRCh38, 1-based): chr7:40,046,026, G>A. VCF-style: chr7-40046026-G-A. GRCh37 (hg19) VCF-style: chr7-40085625-G-A.
Other names: c.2543+1G>A (NM_031267.3).
Identifiers: ClinVar variation 4879425 (VCV004879425.1).

ClinVar aggregate classification (germline): Likely pathogenic (1 of 4 stars; one submission).

Conditions:
Congenital heart defects, dysmorphic facial features, and intellectual developmental disorder (CHDFIDD). Identifiers: Orphanet 646278, MedGen C4479246, MONDO:0044302, OMIM 617360.

Submission:

Institute of Human Genetics, University of Leipzig Medical Center
Classification: Likely pathogenic for Congenital heart defects, dysmorphic facial features, and intellectual developmental disorder. Last evaluated: 2026-07-14. Review status: criteria provided, single submitter. Criteria: ACMG Guidelines, 2015. Collection method: clinical testing. Allele origin: unknown. Inheritance: Autosomal dominant inheritance. Affected: yes.
Comment: Criteria applied: PVS1_STR,PM2